The following is an entry in ClinVar:

ClinVar aggregate classification (germline): Benign/Likely benign. Review status: criteria provided, multiple submitters, no conflicts (2 of 4 stars). 16 submissions from 16 submitters: Benign (3); Likely benign (8). 5 of the submissions do not count toward it. Last evaluated 2026-09-01.

Conditions:
Hypertrophic cardiomyopathy 26. Also called: Cardiomyopathy, familial hypertrophic, 26. Identifiers: Orphanet 75249, MedGen C4310749, MONDO:0014883, OMIM 617047.
Distal myopathy with posterior leg and anterior hand involvement. Also called: WILLIAMS DISTAL MYOPATHY. Identifiers: Orphanet 63273, MedGen C3279722, MONDO:0013550, OMIM 614065.
Myofibrillar myopathy 5. Also called: Filaminopathy (type); FILAMINOPATHY, AUTOSOMAL DOMINANT. Identifiers: Orphanet 171445, MedGen C1836050, MONDO:0012289, OMIM 609524.
Cardiovascular phenotype. Identifiers: MedGen CN230736.
Cardiomyopathy (CMYO). Also called: Cardiomyopathies. Identifiers: Orphanet 167848, MedGen C0878544, MONDO:0004994, HP:0001638. Inheritance: Various modes of inheritance.

Allele frequency attached by ClinVar (database versions not stated): 1000 Genomes Project 0.00060; 1000 Genomes Project 30x 0.00062; gnomAD exomes 0.00082 and 0.00091; ExAC 0.00087; gnomAD 0.00102 and 0.00108; ESP Exome Variant Server 0.00108; TOPMed 0.00122.
gnomAD v4.1: 1,371 of 1,613,974 alleles (0.085%); highest among the groups gnomAD compares: Middle Eastern, 0.45%; 5 homozygotes.

Submissions (16):

CeGaT Center for Human Genetics Tuebingen
Classification: Likely benign. Last evaluated: 2026-09-01. Review status: criteria provided, single submitter. Criteria: CeGaT Center For Human Genetics Tuebingen Variant Classification Criteria Version 2. Collection method: clinical testing. Allele origin: germline. Affected: yes. Observed: 15 variant alleles.
Comment: FLNC: BP4, BP7, BS1

Labcorp Genetics (formerly Invitae), Labcorp
Classification: Likely benign for Distal myopathy with posterior leg and anterior hand involvement; Myofibrillar myopathy 5; Hypertrophic cardiomyopathy 26. Last evaluated: 2026-02-03. Review status: criteria provided, single submitter. Criteria: Invitae Variant Classification Sherloc (09022015). Collection method: clinical testing. Allele origin: germline.

Molecular Diagnostic Laboratory for Inherited Cardiovascular Disease, Montreal Heart Institute
Classification: Likely benign. Last evaluated: 2025-04-09. Review status: criteria provided, single submitter. Criteria: ACMG Guidelines, 2015. Collection method: clinical testing. Allele origin: germline. Affected: no.

Laboratory of Genetics, Children's Clinical University Hospital Latvia
Classification: Likely benign. Last evaluated: 2025-02-16. Review status: criteria provided, single submitter. Criteria: ACMG Guidelines, 2015. Collection method: clinical testing. Allele origin: germline. Affected: yes.

Blueprint Genetics
Classification: Likely benign. Last evaluated: 2024-11-26. Review status: criteria provided, single submitter. Criteria: ACMG Guidelines, 2015. Collection method: clinical testing. Allele origin: germline.

Women's Health and Genetics/Laboratory Corporation of America, LabCorp
Classification: Benign. Last evaluated: 2024-03-28. Review status: criteria provided, single submitter. Criteria: LabCorp Variant Classification Summary - May 2015. Collection method: clinical testing. Allele origin: germline.

CHEO Genetics Diagnostic Laboratory, Children's Hospital of Eastern Ontario
Classification: Benign for Cardiomyopathy. Last evaluated: 2023-05-16. Review status: criteria provided, single submitter. Criteria: ACMG Guidelines, 2015. Collection method: clinical testing. Allele origin: germline.

GeneDx
Classification: Benign. Last evaluated: 2020-05-18. Review status: criteria provided, single submitter. Criteria: GeneDx Variant Classification Process June 2021. Collection method: clinical testing. Allele origin: germline. Affected: yes.

Ambry Genetics
Classification: Likely benign for Cardiovascular phenotype. Last evaluated: 2019-04-16. Review status: criteria provided, single submitter. Criteria: Ambry Variant Classification Scheme 2023. Collection method: clinical testing. Allele origin: germline.

Breakthrough Genomics
Classification: Likely benign. Review status: criteria provided, single submitter. Criteria: ACMG Guidelines, 2015. Collection method: not provided. Allele origin: germline. Inheritance: Autosomal dominant inheritance. Affected: yes.

PreventionGenetics, part of Exact Sciences
Classification: Likely benign. Review status: criteria provided, single submitter. Criteria: ACMG Guidelines, 2015. Collection method: clinical testing. Allele origin: germline.

Clinical Genetics DNA and cytogenetics Diagnostics Lab, Erasmus MC, Erasmus Medical Center
Classification: Likely benign. Review status: no assertion criteria provided. Collection method: clinical testing. Allele origin: germline. Affected: yes. Study: VKGL Data-share Consensus. Not counted in ClinVar's aggregate classification.

Clinical Genetics, Academic Medical Center
Classification: Benign. Review status: no assertion criteria provided. Collection method: clinical testing. Allele origin: germline. Affected: yes. Study: VKGL Data-share Consensus. Not counted in ClinVar's aggregate classification.

Genome Diagnostics Laboratory, University Medical Center Utrecht
Classification: Benign. Review status: no assertion criteria provided. Collection method: clinical testing. Allele origin: germline. Affected: yes. Study: VKGL Data-share Consensus. Not counted in ClinVar's aggregate classification.

Joint Genome Diagnostic Labs from Nijmegen and Maastricht, Radboudumc and MUMC+
Classification: Benign. Review status: no assertion criteria provided. Collection method: clinical testing. Allele origin: germline. Affected: yes. Study: VKGL Data-share Consensus. Not counted in ClinVar's aggregate classification.

Laboratory of Diagnostic Genome Analysis, Leiden University Medical Center (LUMC)
Classification: Likely benign. Review status: no assertion criteria provided. Collection method: clinical testing. Allele origin: germline. Affected: yes. Study: VKGL Data-share Consensus. Not counted in ClinVar's aggregate classification.

NM_001458.5(FLNC):c.5766G>A (p.Ala1922=)

Genes: FLNC (filamin C; plus strand), FLNC-AS1 (FLNC antisense RNA 1; minus strand). Cytogenetic location: 7q32.1.
Variant type: single nucleotide variant.
Coding change: c.5766G>A on transcript NM_001458.5 (MANE Select); coding-DNA position 5766, G replaced by A.
Protein change: p.Ala1922=; no amino-acid change (alanine 1922 retained).
Molecular consequence: synonymous variant.
Genome position (GRCh38, 1-based): chr7:128,851,552, G>A. VCF-style: chr7-128851552-G-A. GRCh37 (hg19) VCF-style: chr7-128491606-G-A.
Other names: c.5667G>A, p.Ala1889= (NM_001127487.2).
Identifiers: ClinVar variation 258150 (VCV000258150.59), dbSNP rs58914363, ClinGen allele CA4475779.